The following is an entry in ClinVar:

ClinVar aggregate classification (germline): Likely benign (1 of 4 stars; one submission).

Submission:

CeGaT Center for Human Genetics Tuebingen
Classification: Likely benign. Last evaluated: 2024-05-01. Review status: criteria provided, single submitter. Criteria: CeGaT Center For Human Genetics Tuebingen Variant Classification Criteria Version 2. Collection method: clinical testing. Allele origin: germline. Affected: yes. Observed: 1 variant allele.
Comment: FANCD2: PM2:Supporting, BP4, BP7

NM_001018115.3(FANCD2):c.1635T>C (p.Asn545=)

Genes: FANCD2 (FA complementation group D2; plus strand), LOC107303338 (3p25 FANCD2 Alu-mediated recombination region; plus strand). Cytogenetic location: 3p25.3.
Variant type: single nucleotide variant.
Coding change: c.1635T>C on transcript NM_001018115.3 (MANE Select); coding-DNA position 1635, T replaced by C.
Protein change: p.Asn545=; no amino-acid change (asparagine 545 retained).
Molecular consequence: synonymous variant. On other transcripts: intron variant (1).
Genome position (GRCh38, 1-based): chr3:10,052,476, T>C. VCF-style: chr3-10052476-T-C. GRCh37 (hg19) VCF-style: chr3-10094160-T-C.
Other names: c.1635T>C, p.Asn545= (NM_001319984.2, NM_001374254.1, NM_033084.6); c.1545+2971T>C (NM_001374253.1).
Identifiers: ClinVar variation 3239409 (VCV003239409.19), dbSNP rs2469933096.